The following is an entry in ClinVar:

NM_020868.6(DPP10):c.1141G>A (p.Gly381Ser)

Gene: DPP10 (dipeptidyl peptidase like 10; plus strand). Cytogenetic location: 2q14.1.
Variant type: single nucleotide variant.
Coding change: c.1141G>A on transcript NM_020868.6 (MANE Select); coding-DNA position 1141, G replaced by A.
Protein change: p.Gly381Ser; replaces glycine 381 with serine.
Molecular consequence: missense variant.
Genome position (GRCh38, 1-based): chr2:115,768,324, G>A. VCF-style: chr2-115768324-G-A. GRCh37 (hg19) VCF-style: chr2-116525900-G-A.
Other names: c.1120G>A, p.Gly374Ser (NM_001004360.5, NM_001321906.2); c.1153G>A, p.Gly385Ser (NM_001178034.1); c.991G>A, p.Gly331Ser (NM_001178036.3, NM_001321910.3, NM_001321911.3 and 2 more transcripts); c.1129G>A, p.Gly377Ser (NM_001178037.3); c.1192G>A, p.Gly398Ser (NM_001321905.3); c.1102G>A, p.Gly368Ser (NM_001321907.3); c.1051G>A, p.Gly351Ser (NM_001321908.3); c.1024G>A, p.Gly342Ser (NM_001321909.3); and 2 more; short protein forms G342S, G398S, G331S, G351S, G368S, G377S, G385S, G127S.
Identifiers: ClinVar variation 5035575 (VCV005035575.1).

ClinVar aggregate classification (germline): Uncertain significance (1 of 4 stars; one submission).

gnomAD v4.1: 22 of 1,613,444 alleles (0.0014%); highest among the groups gnomAD compares: South Asian, 0.013%; 1 homozygote.

Submission:

Ambry Genetics
Classification: Uncertain significance. Last evaluated: 2026-08-12. Review status: criteria provided, single submitter. Criteria: Ambry Variant Classification Scheme 2023. Collection method: clinical testing. Allele origin: germline.
Comment: The c.1153G>A (p.G385S) alteration is located in exon 13 (coding exon 13) of the DPP10 gene. This alteration results from a G to A substitution at nucleotide position 1153, causing the glycine (G) at amino acid position 385 to be replaced by a serine (S). Based on data from gnomAD, the A allele has an overall frequency of 0.002% (5/250996) total alleles studied. The highest observed frequency was 0.013% (4/30604) of South Asian alleles. Based on insufficient or conflicting evidence, the clinical significance of this alteration remains unclear.